The following is an entry in ClinVar:

ClinVar aggregate classification (germline): Uncertain significance (1 of 4 stars; one submission).

Conditions:
Progressive myoclonic epilepsy type 7. Identifiers: Orphanet 435438, MedGen C4015420, MONDO:0014521, OMIM 616187.

Allele frequency attached by ClinVar (database versions not stated): gnomAD exomes below 0.00001.
gnomAD v4.1: 2 of 1,614,092 alleles (0.00012%); highest among the groups gnomAD compares: Non-Finnish European, 0.000085%; no homozygotes.

Submission:

Labcorp Genetics (formerly Invitae), Labcorp
Classification: Uncertain significance for Progressive myoclonic epilepsy type 7. Last evaluated: 2023-12-08. Review status: criteria provided, single submitter. Criteria: Invitae Variant Classification Sherloc (09022015). Collection method: clinical testing. Allele origin: germline.
Comment: This sequence change replaces alanine, which is neutral and non-polar, with valine, which is neutral and non-polar, at codon 423 of the KCNC1 protein (p.Ala423Val). This variant is not present in population databases (gnomAD no frequency). This variant has not been reported in the literature in individuals affected with KCNC1-related conditions. Advanced modeling of protein sequence and biophysical properties (such as structural, functional, and spatial information, amino acid conservation, physicochemical variation, residue mobility, and thermodynamic stability) performed at Invitae indicates that this missense variant is not expected to disrupt KCNC1 protein function with a negative predictive value of 80%. In summary, the available evidence is currently insufficient to determine the role of this variant in disease. Therefore, it has been classified as a Variant of Uncertain Significance.

NM_001112741.2(KCNC1):c.1268C>T (p.Ala423Val)

Gene: KCNC1 (potassium voltage-gated channel subfamily C member 1; plus strand). Cytogenetic location: 11p15.1.
Variant type: single nucleotide variant.
Coding change: c.1268C>T on transcript NM_001112741.2 (MANE Select); coding-DNA position 1268, C replaced by T.
Protein change: p.Ala423Val; replaces alanine 423 with valine.
Molecular consequence: missense variant.
Genome position (GRCh38, 1-based): chr11:17,772,362, C>T. VCF-style: chr11-17772362-C-T. GRCh37 (hg19) VCF-style: chr11-17793909-C-T.
Other names: c.1268C>T, p.Ala423Val (NM_004976.4); short protein forms A423V.
Identifiers: ClinVar variation 2846463 (VCV002846463.3), dbSNP rs2497801099, ClinGen allele CA379808886.